The following is an entry in ClinVar:

ClinVar aggregate classification (germline): Uncertain significance (1 of 4 stars; one submission).

gnomAD v4.1: 17 of 1,377,096 alleles (0.0012%); highest among the groups gnomAD compares: African/African-American, 0.012%; no homozygotes.

Submission:

Labcorp Genetics (formerly Invitae), Labcorp
Classification: Uncertain significance. Last evaluated: 2025-02-01. Review status: criteria provided, single submitter. Criteria: Invitae Variant Classification Sherloc (09022015). Collection method: clinical testing. Allele origin: germline.
Comment: This sequence change replaces aspartic acid, which is acidic and polar, with glycine, which is neutral and non-polar, at codon 5 of the KLF11 protein (p.Asp5Gly). This variant is present in population databases (no rsID available, gnomAD 0.007%). This missense change has been observed in individual(s) with maturity-onset diabetes of the young (PMID: 31216263). An algorithm developed to predict the effect of missense changes on protein structure and function outputs the following: PolyPhen-2: "Benign". The glycine amino acid residue is found in multiple mammalian species, which suggests that this missense change does not adversely affect protein function. In summary, the available evidence is currently insufficient to determine the role of this variant in disease. Therefore, it has been classified as a Variant of Uncertain Significance.

Literature cited by the submitters: PubMed 31216263.

NM_003597.5(KLF11):c.14A>G (p.Asp5Gly)

Gene: KLF11 (KLF transcription factor 11; plus strand). Cytogenetic location: 2p25.1.
Variant type: single nucleotide variant.
Coding change: c.14A>G on transcript NM_003597.5 (MANE Select); coding-DNA position 14, A replaced by G.
Protein change: p.Asp5Gly; replaces aspartic acid 5 with glycine.
Molecular consequence: missense variant.
Genome position (GRCh38, 1-based): chr2:10,043,730, A>G. VCF-style: chr2-10043730-A-G. GRCh37 (hg19) VCF-style: chr2-10183857-A-G.
Other names: short protein forms D5G.
Identifiers: ClinVar variation 3635569 (VCV003635569.2).